The following is an entry in ClinVar:

ClinVar aggregate classification (germline): Uncertain significance. Review status: criteria provided, multiple submitters, no conflicts (2 of 4 stars). 2 submissions from 2 submitters: Uncertain significance (2). Last evaluated 2022-05-06.

Conditions:
Fanconi anemia complementation group P. Also called: SLX4-Related Fanconi Anemia. Identifiers: Orphanet 84, MedGen C3469542, MONDO:0013499, OMIM 613951.
Fanconi anemia (FA). Also called: Fanconi's anemia. Identifiers: Orphanet 84, MedGen C0015625, MeSH D005199, MONDO:0019391.

Submissions (2):

Fulgent Genetics
Classification: Uncertain significance for Fanconi anemia complementation group P. Last evaluated: 2022-05-06. Review status: criteria provided, single submitter. Criteria: ACMG Guidelines, 2015. Collection method: clinical testing. Allele origin: unknown.

Labcorp Genetics (formerly Invitae), Labcorp
Classification: Uncertain significance for Fanconi anemia. Last evaluated: 2020-11-24. Review status: criteria provided, single submitter. Criteria: Invitae Variant Classification Sherloc (09022015). Collection method: clinical testing. Allele origin: germline.
Comment: In summary, the available evidence is currently insufficient to determine the role of this variant in disease. Therefore, it has been classified as a Variant of Uncertain Significance. Algorithms developed to predict the effect of missense changes on protein structure and function output the following: SIFT: "Tolerated"; PolyPhen-2: "Benign"; Align-GVGD: "Class C0". The valine amino acid residue is found in multiple mammalian species, suggesting that this missense change does not adversely affect protein function. These predictions have not been confirmed by published functional studies and their clinical significance is uncertain. This variant has not been reported in the literature in individuals with SLX4-related conditions. This variant is not present in population databases (ExAC no frequency). This sequence change replaces leucine with valine at codon 953 of the SLX4 protein (p.Leu953Val). The leucine residue is weakly conserved and there is a small physicochemical difference between leucine and valine.

NM_032444.4(SLX4):c.2857C>G (p.Leu953Val)

Gene: SLX4 (SLX4 structure-specific endonuclease subunit; minus strand). Cytogenetic location: 16p13.3.
Variant type: single nucleotide variant.
Coding change: c.2857C>G on transcript NM_032444.4 (MANE Select); coding-DNA position 2857, C replaced by G.
Protein change: p.Leu953Val; replaces leucine 953 with valine.
Molecular consequence: missense variant.
Genome position (GRCh38, 1-based): chr16:3,590,781, G>C on the plus strand (C>G on the coding strand, the complement: SLX4 is on the minus strand). VCF-style: chr16-3590781-G-C. GRCh37 (hg19) VCF-style: chr16-3640782-G-C.
Other names: short protein forms L953V.
Identifiers: ClinVar variation 1370061 (VCV001370061.9), dbSNP rs1185482904, ClinGen allele CA394522620.